The following is an entry in ClinVar:

ClinVar aggregate classification (germline): Uncertain significance (1 of 4 stars; one submission).

gnomAD v4.1: 1 of 1,575,072 alleles (0.000063%); highest among the groups gnomAD compares: South Asian, 0.0012%; no homozygotes.

Submission:

GeneDx
Classification: Uncertain significance. Last evaluated: 2025-06-11. Review status: criteria provided, single submitter. Criteria: GeneDx Variant Classification Process June 2021. Collection method: clinical testing. Allele origin: germline. Affected: yes.
Comment: Not observed at significant frequency in large population cohorts (gnomAD); In silico analysis suggests that this missense variant does not alter protein structure/function; Has not been previously published as pathogenic or benign to our knowledge

NM_003107.3(SOX4):c.1397G>C (p.Ser466Thr)

Gene: SOX4 (SRY-box transcription factor 4; plus strand). Cytogenetic location: 6p22.3.
Variant type: single nucleotide variant.
Coding change: c.1397G>C on transcript NM_003107.3 (MANE Select); coding-DNA position 1397, G replaced by C.
Protein change: p.Ser466Thr; replaces serine 466 with threonine.
Molecular consequence: missense variant.
Genome position (GRCh38, 1-based): chr6:21,595,931, G>C. VCF-style: chr6-21595931-G-C. GRCh37 (hg19) VCF-style: chr6-21596162-G-C.
Other names: short protein forms S466T.
Identifiers: ClinVar variation 4538096 (VCV004538096.1).
Genomic context (GRCh38, chr6:21,595,931, plus strand): 5'-TCCCGGACTACTGCACGCCCGAGGTGAGCGAGATGATCTCGGGAGACTGGCTCGAGTCCA[G>C]CATCTCCAACCTGGTTTTCACCTACTGAAGGGCGCGCAGGCAGGGAGAAGGGCCGGGGGG-3'
Protein context (NP_003098.1, residues 456-474): EMISGDWLES[Ser466Thr]ISNLVFTY